The following is an entry in ClinVar:

NM_144631.6(ZNF513):c.481T>A (p.Tyr161Asn)

Gene: ZNF513 (zinc finger protein 513; minus strand). Cytogenetic location: 2p23.3.
Variant type: single nucleotide variant.
Coding change: c.481T>A on transcript NM_144631.6 (MANE Select); coding-DNA position 481, T replaced by A.
Protein change: p.Tyr161Asn; replaces tyrosine 161 with asparagine.
Molecular consequence: missense variant.
Genome position (GRCh38, 1-based): chr2:27,378,785, A>T on the plus strand (T>A on the coding strand, the complement: ZNF513 is on the minus strand). VCF-style: chr2-27378785-A-T. GRCh37 (hg19) VCF-style: chr2-27601652-A-T.
Other names: c.295T>A, p.Tyr99Asn (NM_001201459.2); short protein forms Y161N, Y99N.
Identifiers: ClinVar variation 3476606 (VCV003476606.3).

ClinVar aggregate classification (germline): Uncertain significance. Review status: criteria provided, multiple submitters, no conflicts (2 of 4 stars). 2 submissions from 2 submitters: Uncertain significance (2). Last evaluated 2025-06-12.

Submissions (2):

Labcorp Genetics (formerly Invitae), Labcorp
Classification: Uncertain significance. Last evaluated: 2025-06-12. Review status: criteria provided, single submitter. Criteria: Invitae Variant Classification Sherloc (09022015). Collection method: clinical testing. Allele origin: germline.
Comment: This sequence change replaces tyrosine, which is neutral and polar, with asparagine, which is neutral and polar, at codon 161 of the ZNF513 protein (p.Tyr161Asn). This variant is present in population databases (rs745640180, gnomAD 0.005%). This variant has not been reported in the literature in individuals affected with ZNF513-related conditions. ClinVar contains an entry for this variant (Variation ID: 3476606). An algorithm developed to predict the effect of missense changes on protein structure and function (PolyPhen-2) suggests that this variant is likely to be disruptive. In summary, the available evidence is currently insufficient to determine the role of this variant in disease. Therefore, it has been classified as a Variant of Uncertain Significance.

Ambry Genetics
Classification: Uncertain significance. Last evaluated: 2024-11-15. Review status: criteria provided, single submitter. Criteria: Ambry Variant Classification Scheme 2023. Collection method: clinical testing. Allele origin: germline.